The following is an entry in ClinVar:

NM_001145475.3(FAM186A):c.*8A>G

Gene: FAM186A (family with sequence similarity 186 member A; minus strand). Cytogenetic location: 12q13.12.
Variant type: single nucleotide variant.
Coding change: c.*8A>G on transcript NM_001145475.3 (MANE Select); 8 bases downstream of the stop codon, A replaced by G.
Molecular consequence: 3 prime UTR variant.
Genome position (GRCh38, 1-based): chr12:50,327,375, T>C on the plus strand (A>G on the coding strand, the complement: FAM186A is on the minus strand). VCF-style: chr12-50327375-T-C. GRCh37 (hg19) VCF-style: chr12-50721158-T-C.
Identifiers: ClinVar variation 2642979 (VCV002642979.24), dbSNP rs184058749, ClinGen allele CA6562957.

ClinVar aggregate classification (germline): Likely benign (1 of 4 stars; one submission).

Allele frequency attached by ClinVar (database versions not stated): 1000 Genomes Project 30x 0.00141; 1000 Genomes Project 0.00160; TOPMed 0.00235; gnomAD exomes 0.00340; ExAC 0.00347; gnomAD 0.00354.
gnomAD v4.1: 5,328 of 1,545,006 alleles (0.34%); highest among the groups gnomAD compares: Middle Eastern, 0.64%; 18 homozygotes.

Submission:

CeGaT Center for Human Genetics Tuebingen
Classification: Likely benign. Last evaluated: 2024-01-01. Review status: criteria provided, single submitter. Criteria: CeGaT Center For Human Genetics Tuebingen Variant Classification Criteria Version 2. Collection method: clinical testing. Allele origin: germline. Affected: yes. Observed: 3 variant alleles.
Comment: FAM186A: BS2